The following is an entry in ClinVar:

ClinVar aggregate classification (germline): Uncertain significance. Review status: criteria provided, multiple submitters, no conflicts (2 of 4 stars). 2 submissions from 2 submitters: Uncertain significance (2). Last evaluated 2023-11-04.

Conditions:
Hereditary cancer-predisposing syndrome. Also called: Tumor predisposition; Neoplastic Syndromes, Hereditary; Hereditary neoplastic syndrome; Hereditary Cancer Syndrome. Identifiers: Orphanet 140162, MedGen C0027672, MeSH D009386, MONDO:0015356.
Ataxia-telangiectasia syndrome (AT). Also called: Ataxia-telangiectasia, complementation group D; AT, COMPLEMENTATION GROUP C; ATAXIA-TELANGIECTASIA, COMPLEMENTATION GROUP A; ATAXIA-TELANGIECTASIA, FRESNO VARIANT; Ataxia-telangiectasia; Ataxia telangiectasia (A-T). Identifiers: Orphanet 100, MedGen C0004135, MONDO:0008840, OMIM 208900.

Submissions (2):

Ambry Genetics
Classification: Uncertain significance for Hereditary cancer-predisposing syndrome. Last evaluated: 2023-11-04. Review status: criteria provided, single submitter. Criteria: Ambry Variant Classification Scheme 2023. Collection method: clinical testing. Allele origin: germline.
Comment: The p.D2395G variant (also known as c.7184A>G), located in coding exon 48 of the ATM gene, results from an A to G substitution at nucleotide position 7184. The aspartic acid at codon 2395 is replaced by glycine, an amino acid with similar properties. This amino acid position is conserved. In addition, this alteration is predicted to be deleterious by in silico analysis. Since supporting evidence is limited at this time, the clinical significance of this alteration remains unclear.

Labcorp Genetics (formerly Invitae), Labcorp
Classification: Uncertain significance for Ataxia-telangiectasia syndrome. Last evaluated: 2019-07-11. Review status: criteria provided, single submitter. Criteria: Invitae Variant Classification Sherloc (09022015). Collection method: clinical testing. Allele origin: germline.
Comment: This sequence change replaces aspartic acid with glycine at codon 2395 of the ATM protein (p.Asp2395Gly). The aspartic acid residue is highly conserved and there is a moderate physicochemical difference between aspartic acid and glycine. This variant is not present in population databases (ExAC no frequency). This variant has not been reported in the literature in individuals with ATM-related conditions. Algorithms developed to predict the effect of missense changes on protein structure and function (SIFT, PolyPhen-2, Align-GVGD) all suggest that this variant is likely to be disruptive, but these predictions have not been confirmed by published functional studies and their clinical significance is uncertain. Algorithms developed to predict the effect of sequence changes on RNA splicing suggest that this variant may create or strengthen a splice site, but this prediction has not been confirmed by published transcriptional studies. In summary, the available evidence is currently insufficient to determine the role of this variant in disease. Therefore, it has been classified as a Variant of Uncertain Significance.

NM_000051.4(ATM):c.7184A>G (p.Asp2395Gly)

Genes: ATM (ATM serine/threonine kinase; plus strand), C11orf65 (chromosome 11 open reading frame 65; minus strand). Cytogenetic location: 11q22.3.
Variant type: single nucleotide variant.
Coding change: c.7184A>G on transcript NM_000051.4 (MANE Select); coding-DNA position 7184, A replaced by G.
Protein change: p.Asp2395Gly; replaces aspartic acid 2395 with glycine.
Molecular consequence: missense variant. On other transcripts: intron variant (2).
Genome position (GRCh38, 1-based): chr11:108,329,115, A>G. VCF-style: chr11-108329115-A-G. GRCh37 (hg19) VCF-style: chr11-108199842-A-G.
Other names: c.7184A>G, p.Asp2395Gly (NM_001351834.2); c.641-20044T>C (NM_001330368.2); c.*38+6105T>C (NM_001351110.2); short protein forms D2395G.
Identifiers: ClinVar variation 949485 (VCV000949485.4), dbSNP rs1555122090, ClinGen allele CA382559580.